The following is an entry in ClinVar:

NM_000376.3(VDR):c.146+5G>A

Gene: VDR (vitamin D receptor; minus strand). Cytogenetic location: 12q13.11.
Variant type: single nucleotide variant.
Coding change: c.146+5G>A on transcript NM_000376.3 (MANE Select); 5 bases into the intron after coding-DNA position 146, G replaced by A.
Molecular consequence: intron variant.
Genome position (GRCh38, 1-based): chr12:47,878,963, C>T on the plus strand (G>A on the coding strand, the complement: VDR is on the minus strand). VCF-style: chr12-47878963-C-T. GRCh37 (hg19) VCF-style: chr12-48272746-C-T.
Other names: c.146+5G>A (NM_001374662.1, NM_001364085.2, NM_001017535.2 and 1 more transcripts); c.296+5G>A (NM_001017536.2).
Identifiers: ClinVar variation 1395915 (VCV001395915.7), dbSNP rs756376013, ClinGen allele CA6534065.

ClinVar aggregate classification (germline): Uncertain significance. Review status: criteria provided, multiple submitters, no conflicts (2 of 4 stars). 4 submissions from 4 submitters: Uncertain significance (4). Last evaluated 2024-03-29.

Conditions:
Vitamin D-dependent rickets type II with alopecia (VDDR2A). Also called: GENERALIZED RESISTANCE TO 1,25-DIHYDROXYVITAMIN D; HYPOCALCEMIC VITAMIN D-RESISTANT RICKETS; PDDR IIA; PSEUDOVITAMIN D-DEFICIENCY, TYPE IIA; RICKETS, HEREDITARY VITAMIN D-RESISTANT; RICKETS-ALOPECIA SYNDROME. Identifiers: Orphanet 93160, MedGen C0342646, MONDO:0010186, OMIM 277440.

Allele frequency attached by ClinVar (database versions not stated): TOPMed 0.00002; gnomAD 0.00003; ExAC 0.00007.
gnomAD v4.1: 53 of 1,614,074 alleles (0.0033%); highest among the groups gnomAD compares: Middle Eastern, 0.049%; no homozygotes.

Submissions (5):

Genomic Medicine Center of Excellence, King Faisal Specialist Hospital and Research Centre
Classification: Uncertain significance for Vitamin D-dependent rickets type II with alopecia. Last evaluated: 2024-03-29. Review status: criteria provided, single submitter. Criteria: ACMG Guidelines, 2015. Collection method: clinical testing. Allele origin: germline.

Fulgent Genetics
Classification: Uncertain significance for Vitamin D-dependent rickets type II with alopecia. Last evaluated: 2022-03-16. Review status: criteria provided, single submitter. Criteria: ACMG Guidelines, 2015. Collection method: clinical testing. Allele origin: unknown.

Labcorp Genetics (formerly Invitae), Labcorp
Classification: Uncertain significance. Last evaluated: 2021-09-09. Review status: criteria provided, single submitter. Criteria: Invitae Variant Classification Sherloc (09022015). Collection method: clinical testing. Allele origin: germline.
Comment: This sequence change falls in intron 4 of the VDR gene. It does not directly change the encoded amino acid sequence of the VDR protein. It affects a nucleotide within the consensus splice site of the intron. This variant is present in population databases (rs756376013, ExAC 0.04%). This variant has not been reported in the literature in individuals affected with VDR-related conditions. Variants that disrupt the consensus splice site are a relatively common cause of aberrant splicing (PMID: 17576681, 9536098). Algorithms developed to predict the effect of sequence changes on RNA splicing suggest that this variant may disrupt the consensus splice site. In summary, the available evidence is currently insufficient to determine the role of this variant in disease. Therefore, it has been classified as a Variant of Uncertain Significance.

Breakthrough Genomics
Classification: Uncertain significance. Review status: criteria provided, single submitter. Criteria: ACMG Guidelines, 2015. Collection method: not provided. Allele origin: germline. Inheritance: Autosomal recessive inheritance. Affected: yes.

Dr. Peter K. Rogan Lab, Western University
No classification provided (evidence only). Condition: Squamous cell lung carcinoma. Review status: no classification provided. Collection method: in vitro. Allele origin: not applicable. Functional consequence: retained intron. Not counted in ClinVar's aggregate classification.

Literature cited by the submitters: PubMed 17576681 (cited by Labcorp Genetics (formerly Invitae), Labcorp); PubMed 9536098 (cited by Labcorp Genetics (formerly Invitae), Labcorp).